The following is an entry in ClinVar:

ClinVar aggregate classification (germline): Uncertain significance. Review status: criteria provided, multiple submitters, no conflicts (2 of 4 stars). 9 submissions from 9 submitters: Uncertain significance (8). 1 of the submissions does not count toward it. Last evaluated 2024-12-12.

Conditions:
NBN-related disorder. Also called: NBN-related condition.
Microcephaly, normal intelligence and immunodeficiency (NBS). Also called: Nijmegen breakage syndrome; Microcephaly with normal intelligence immunodeficiency and lymphoreticular malignancies; Nonsyndromal microcephaly autosomal recessive with normal intelligence; Seemanova syndrome 2; Immunodeficiency, microcephaly with normal intelligence; Ataxia telangiectasia variant V1. Identifiers: Orphanet 647, MedGen C0398791, MONDO:0009623, OMIM 251260.
Aplastic anemia. Identifiers: Orphanet 182040, Orphanet 88, MedGen C0002874, MONDO:0015909, OMIM 609135, HP:0001915.
Acute lymphoid leukemia (ALL). Also called: Acute lymphoblastic leukemia; Acute lymphocytic leukemia; Leukemia, acute lymphoblastic, somatic; Lymphoblastic leukemia. Identifiers: Orphanet 513, MedGen C0023449, MONDO:0004967, OMIM 613065, HP:0006721.
Hereditary cancer-predisposing syndrome. Also called: Neoplastic Syndromes, Hereditary; Tumor predisposition; Hereditary Cancer Syndrome; Hereditary neoplastic syndrome. Identifiers: Orphanet 140162, MedGen C0027672, MeSH D009386, MONDO:0015356.

Allele frequency attached by ClinVar (database versions not stated): gnomAD 0.00001; gnomAD exomes 0.00001 and 0.00002; TOPMed 0.00002; ExAC 0.00004.
gnomAD v4.1: 22 of 1,613,914 alleles (0.0014%); highest among the groups gnomAD compares: Middle Eastern, 0.033%; no homozygotes.

Submissions (9):

Labcorp Genetics (formerly Invitae), Labcorp
Classification: Uncertain significance for Microcephaly, normal intelligence and immunodeficiency. Last evaluated: 2024-12-12. Review status: criteria provided, single submitter. Criteria: Invitae Variant Classification Sherloc (09022015). Collection method: clinical testing. Allele origin: germline.
Comment: This sequence change replaces alanine, which is neutral and non-polar, with threonine, which is neutral and polar, at codon 356 of the NBN protein (p.Ala356Thr). This variant is present in population databases (rs777259845, gnomAD 0.004%). This variant has not been reported in the literature in individuals affected with NBN-related conditions. ClinVar contains an entry for this variant (Variation ID: 230223). An algorithm developed to predict the effect of missense changes on protein structure and function (PolyPhen-2) suggests that this variant¬†is likely to be tolerated. In summary, the available evidence is currently insufficient to determine the role of this variant in disease. Therefore, it has been classified as a Variant of Uncertain Significance.

PreventionGenetics, part of Exact Sciences
Classification: Uncertain significance for NBN-related condition. Last evaluated: 2024-11-18. Review status: criteria provided, single submitter. Criteria: ACMG Guidelines, 2015. Collection method: clinical testing. Allele origin: germline.
Comment: The NBN c.1066G>A variant is predicted to result in the amino acid substitution p.Ala356Thr. This variant has been reported in a cohort study regarding NBN germline variants associated with pan-cancer susceptibility (Table S2, Belhadj et al. 2023. PubMed ID: 36346689). This variant is reported in 0.0044% of alleles in individuals of European (Non-Finnish) descent in gnomAD and is interpreted as uncertain in ClinVar. At this time, the clinical significance of this variant is uncertain due to the absence of conclusive functional and genetic evidence.

Fulgent Genetics
Classification: Uncertain significance for Microcephaly, normal intelligence and immunodeficiency; Aplastic anemia; Acute lymphoid leukemia. Last evaluated: 2024-02-15. Review status: criteria provided, single submitter. Criteria: ACMG Guidelines, 2015. Collection method: clinical testing. Allele origin: germline.

Ambry Genetics
Classification: Uncertain significance for Hereditary cancer-predisposing syndrome. Last evaluated: 2023-06-18. Review status: criteria provided, single submitter. Criteria: Ambry Variant Classification Scheme 2023. Collection method: clinical testing. Allele origin: germline.
Comment: The p.A356T variant (also known as c.1066G>A), located in coding exon 9 of the NBN gene, results from a G to A substitution at nucleotide position 1066. The alanine at codon 356 is replaced by threonine, an amino acid with similar properties. This amino acid position is poorly conserved in available vertebrate species. In addition, this alteration is predicted to be tolerated by BayesDel in silico analysis. Since supporting evidence is limited at this time, the clinical significance of this alteration remains unclear.

Women's Health and Genetics/Laboratory Corporation of America, LabCorp
Classification: Uncertain significance. Last evaluated: 2022-08-18. Review status: criteria provided, single submitter. Criteria: LabCorp Variant Classification Summary - May 2015. Collection method: clinical testing. Allele origin: germline.
Comment: Variant summary: NBN c.1066G>A (p.Ala356Thr) results in a non-conservative amino acid change in the encoded protein sequence. Four of five in-silico tools predict a benign effect of the variant on protein function. The variant allele was found at a frequency of 2.4e-05 in 251394 control chromosomes (gnomAD). The available data on variant occurrences in the general population are insufficient to allow any conclusion about variant significance. To our knowledge, no occurrence of c.1066G>A in individuals affected with Nijmegen Breakage Syndrome and no experimental evidence demonstrating its impact on protein function have been reported. Seven clinical diagnostic laboratories have submitted clinical-significance assessments for this variant to ClinVar after 2014. All laboratories classified the variant as uncertain significance. Based on the evidence outlined above, the variant was classified as uncertain significance.

Genome-Nilou Lab
Classification: Uncertain significance for Microcephaly, normal intelligence and immunodeficiency. Last evaluated: 2021-11-07. Review status: criteria provided, single submitter. Criteria: ACMG Guidelines, 2015. Collection method: clinical testing. Allele origin: germline. Affected: no.

Quest Diagnostics Nichols Institute San Juan Capistrano
Classification: Uncertain significance. Last evaluated: 2018-05-04. Review status: criteria provided, single submitter. Criteria: Quest Diagnostics criteria. Collection method: clinical testing. Allele origin: germline.

Illumina Laboratory Services, Illumina
Classification: Uncertain significance for Microcephaly, normal intelligence and immunodeficiency. Last evaluated: 2018-01-13. Review status: criteria provided, single submitter. Criteria: ICSL Variant Classification Criteria 13 December 2019. Collection method: clinical testing. Allele origin: germline.

Natera, Inc.
Classification: Uncertain significance for Nijmegen breakage syndrome. Last evaluated: 2020-09-16. Review status: no assertion criteria provided. Collection method: clinical testing. Allele origin: germline. Not counted in ClinVar's aggregate classification.

NM_002485.5(NBN):c.1066G>A (p.Ala356Thr)

Gene: NBN (nibrin; minus strand). Cytogenetic location: 8q21.3.
Variant type: single nucleotide variant.
Coding change: c.1066G>A on transcript NM_002485.5 (MANE Select); coding-DNA position 1066, G replaced by A.
Protein change: p.Ala356Thr; replaces alanine 356 with threonine.
Molecular consequence: missense variant.
Genome position (GRCh38, 1-based): chr8:89,958,783, C>T on the plus strand (G>A on the coding strand, the complement: NBN is on the minus strand). VCF-style: chr8-89958783-C-T. GRCh37 (hg19) VCF-style: chr8-90971011-C-T.
Other names: c.820G>A, p.Ala274Thr (NM_001024688.3); short protein forms A356T, A274T.
Identifiers: ClinVar variation 230223 (VCV000230223.29), dbSNP rs777259845, ClinGen allele CA4802809.
Genomic context (GRCh38, chr8:89,958,783, plus strand): 5'-ACCATGTATCTGCTTGCTCTGATTCTGTGTCAGCTACGTATGTTGTAGTGTTCACTGGGG[C>T]GCTTGGCATTAGTTTTTCATCAACTGACACGCCTTGTGAAAGGCTTGGTCCTGGAGTTGT-3'
Protein context (NP_002476.2, residues 346-366): VSVDEKLMPS[Ala356Thr]PVNTTTYVAD